The following is an entry in ClinVar:

NM_004924.6(ACTN4):c.675C>A (p.Asn225Lys)

Gene: ACTN4 (actinin alpha 4; plus strand). Cytogenetic location: 19q13.2.
Variant type: single nucleotide variant.
Coding change: c.675C>A on transcript NM_004924.6 (MANE Select); coding-DNA position 675, C replaced by A.
Protein change: p.Asn225Lys; replaces asparagine 225 with lysine.
Molecular consequence: missense variant.
Genome position (GRCh38, 1-based): chr19:38,709,418, C>A. VCF-style: chr19-38709418-C-A. GRCh37 (hg19) VCF-style: chr19-39200058-C-A.
Other names: c.675C>A, p.Asn225Lys (NM_001322033.2); short protein forms N225K.
Identifiers: ClinVar variation 1037292 (VCV001037292.7), dbSNP rs1968567859, ClinGen allele CA405695320.

ClinVar aggregate classification (germline): Uncertain significance (1 of 4 stars; one submission).

Submission:

Labcorp Genetics (formerly Invitae), Labcorp
Classification: Uncertain significance. Last evaluated: 2021-06-18. Review status: criteria provided, single submitter. Criteria: Invitae Variant Classification Sherloc (09022015). Collection method: clinical testing. Allele origin: germline.
Comment: In summary, the available evidence is currently insufficient to determine the role of this variant in disease. Therefore, it has been classified as a Variant of Uncertain Significance. Algorithms developed to predict the effect of missense changes on protein structure and function are either unavailable or do not agree on the potential impact of this missense change (SIFT: "Not Available"; PolyPhen-2: "Possibly Damaging"; Align-GVGD: "Not Available"). This variant has been observed in individual(s) with focal segmental glomerulosclerosis (Invitae). This variant is not present in population databases (ExAC no frequency). This sequence change replaces asparagine with lysine at codon 225 of the ACTN4 protein (p.Asn225Lys). The asparagine residue is highly conserved and there is a moderate physicochemical difference between asparagine and lysine.